The following is an entry in ClinVar:

ClinVar aggregate classification (germline): Conflicting classifications of pathogenicity. Review status: criteria provided, conflicting classifications (1 of 4 stars). 4 submissions from 4 submitters: Uncertain significance (2); Likely benign (2). Last evaluated 2024-10-11.

Conditions:
Familial focal epilepsy with variable foci (FPEVF). Identifiers: Orphanet 98820, MedGen C1858477, MONDO:0020310.
Inborn genetic diseases. Identifiers: MedGen C0950123, MeSH D030342.

Allele frequency attached by ClinVar (database versions not stated): ExAC 0.00002; gnomAD exomes 0.00002; TOPMed 0.00002; gnomAD 0.00003 and 0.00004; ESP Exome Variant Server 0.00008.
gnomAD v4.1: 28 of 1,613,666 alleles (0.0017%); highest among the groups gnomAD compares: Non-Finnish European, 0.002%; no homozygotes.

Submissions (4):

Blueprint Genetics
Classification: Likely benign. Last evaluated: 2024-10-11. Review status: criteria provided, single submitter. Criteria: ACMG Guidelines, 2015. Collection method: clinical testing. Allele origin: germline.

Labcorp Genetics (formerly Invitae), Labcorp
Classification: Uncertain significance for Familial focal epilepsy with variable foci. Last evaluated: 2024-02-10. Review status: criteria provided, single submitter. Criteria: Invitae Variant Classification Sherloc (09022015). Collection method: clinical testing. Allele origin: germline.
Comment: This sequence change replaces threonine, which is neutral and polar, with methionine, which is neutral and non-polar, at codon 1262 of the DEPDC5 protein (p.Thr1262Met). This variant is present in population databases (rs369298689, gnomAD 0.004%). This variant has not been reported in the literature in individuals affected with DEPDC5-related conditions. ClinVar contains an entry for this variant (Variation ID: 852883). Algorithms developed to predict the effect of missense changes on protein structure and function output the following: SIFT: "Not Available"; PolyPhen-2: "Not Available"; Align-GVGD: "Not Available". The methionine amino acid residue is found in multiple mammalian species, which suggests that this missense change does not adversely affect protein function. In summary, the available evidence is currently insufficient to determine the role of this variant in disease. Therefore, it has been classified as a Variant of Uncertain Significance.

Revvity Omics, Revvity
Classification: Uncertain significance. Last evaluated: 2023-11-10. Review status: criteria provided, single submitter. Criteria: ACMG Guidelines, 2015. Collection method: clinical testing. Allele origin: germline.

Ambry Genetics
Classification: Likely benign for Inborn genetic diseases. Last evaluated: 2023-07-05. Review status: criteria provided, single submitter. Criteria: Ambry Variant Classification Scheme 2023. Collection method: clinical testing. Allele origin: germline.

NM_001242896.3(DEPDC5):c.3785C>T (p.Thr1262Met)

Gene: DEPDC5 (DEP domain containing 5, GATOR1 subcomplex subunit; plus strand). Cytogenetic location: 22q12.3.
Variant type: single nucleotide variant.
Coding change: c.3785C>T on transcript NM_001242896.3 (MANE Select); coding-DNA position 3785, C replaced by T.
Protein change: p.Thr1262Met; replaces threonine 1262 with methionine.
Molecular consequence: missense variant. On other transcripts: non-coding transcript variant (2).
Genome position (GRCh38, 1-based): chr22:31,876,245, C>T. VCF-style: chr22-31876245-C-T. GRCh37 (hg19) VCF-style: chr22-32272231-C-T.
Other names: c.3758C>T, p.Thr1253Met (NM_001136029.4); c.3485C>T, p.Thr1162Met (NM_001242897.2); c.3719C>T, p.Thr1240Met (NM_001363852.2, NM_001364320.2); c.3551C>T, p.Thr1184Met (NM_001363854.2, NM_001364319.2); c.3785C>T, p.Thr1262Met (NM_001364318.2); c.3701C>T, p.Thr1234Met (NM_001369901.1, NM_001369902.1); c.3692C>T, p.Thr1231Met (NM_001369903.1, NM_014662.6); short protein forms T1231M, T1234M, T1253M, T1162M, T1240M, T1184M, T1262M.
Identifiers: ClinVar variation 852883 (VCV000852883.13), dbSNP rs369298689, ClinGen allele CA10197088.
Genomic context (GRCh38, chr22:31,876,245, plus strand): 5'-ATGCATCTGGCGAAGCCTGGCGGACCTTCATCTACGGCTTCTATTTCTACAAGATAGTAA[C>T]GGACAAAGAGCCCGACCGAGGTTAGAGCCGAGGCGAATGCGGTTGCCCACAGGGGCAAGT-3'
Protein context (NP_001229825.1, residues 1252-1272): IYGFYFYKIV[Thr1262Met]DKEPDRVAMQ